The following is an entry in ClinVar:

ClinVar aggregate classification (germline): Uncertain significance. Review status: criteria provided, multiple submitters, no conflicts (2 of 4 stars). 3 submissions from 3 submitters: Uncertain significance (3). Last evaluated 2025-04-01.

Conditions:
Mitochondrial complex IV deficiency, nuclear type 3. Also called: Mitochondrial complex 4 deficiency, nuclear type 3. Identifiers: MedGen C5436682, MONDO:0033635, OMIM 619046.
Inborn genetic diseases. Identifiers: MedGen C0950123, MeSH D030342.

gnomAD v4.1: 39 of 1,613,956 alleles (0.0024%); highest among the groups gnomAD compares: Non-Finnish European, 0.0031%; no homozygotes.

Submissions (3):

GeneDx
Classification: Uncertain significance. Last evaluated: 2025-04-01. Review status: criteria provided, single submitter. Criteria: GeneDx Variant Classification Process June 2021. Collection method: clinical testing. Allele origin: germline. Affected: yes.
Comment: Not observed at significant frequency in large population cohorts (gnomAD); In silico analysis supports that this missense variant has a deleterious effect on protein structure/function; Has not been previously published as pathogenic or benign to our knowledge

Ambry Genetics
Classification: Uncertain significance for Inborn genetic diseases. Last evaluated: 2024-09-04. Review status: criteria provided, single submitter. Criteria: Ambry Variant Classification Scheme 2023. Collection method: clinical testing. Allele origin: germline.

Fulgent Genetics
Classification: Uncertain significance for Mitochondrial complex IV deficiency, nuclear type 3. Last evaluated: 2024-03-27. Review status: criteria provided, single submitter. Criteria: ACMG Guidelines, 2015. Collection method: clinical testing. Allele origin: germline.

NM_001303.4(COX10):c.491A>C (p.Lys164Thr)

Gene: COX10 (cytochrome c oxidase assembly factor heme A:farnesyltransferase COX10; plus strand). Cytogenetic location: 17p12.
Variant type: single nucleotide variant.
Coding change: c.491A>C on transcript NM_001303.4 (MANE Select); coding-DNA position 491, A replaced by C.
Protein change: p.Lys164Thr; replaces lysine 164 with threonine.
Molecular consequence: missense variant.
Genome position (GRCh38, 1-based): chr17:14,077,048, A>C. VCF-style: chr17-14077048-A-C. GRCh37 (hg19) VCF-style: chr17-13980365-A-C.
Other names: short protein forms K164T.
Identifiers: ClinVar variation 3496108 (VCV003496108.3).